The following is an entry in ClinVar:

NM_000179.3(MSH6):c.708A>T (p.Gln236His)

Gene: MSH6 (mutS homolog 6; plus strand). Cytogenetic location: 2p16.3.
Variant type: single nucleotide variant.
Coding change: c.708A>T on transcript NM_000179.3 (MANE Select); coding-DNA position 708, A replaced by T.
Protein change: p.Gln236His; replaces glutamine 236 with histidine.
Molecular consequence: missense variant. On other transcripts: 5 prime UTR variant (2).
Genome position (GRCh38, 1-based): chr2:47,798,691, A>T. VCF-style: chr2-47798691-A-T. GRCh37 (hg19) VCF-style: chr2-48025830-A-T.
Other names: c.318A>T, p.Gln106His (NM_001281492.2); c.-199A>T (NM_001281493.2, NM_001281494.2); short protein forms Q236H, Q106H.
Identifiers: ClinVar variation 455340 (VCV000455340.17), dbSNP rs1322117538, ClinGen allele CA346739986.
Genomic context (GRCh38, chr2:47,798,691, plus strand): 5'-AGATAAGAGTGAAGAAGATAATGAAATTGAGAGTGAAGAGGAAGTACAGCCTAAGACACA[A>T]GGATCTAGGCGAAGTAGCCGCCAAATAAAAAAACGAAGGGTCATATCAGATTCTGAGAGT-3'
Protein context (NP_000170.1, residues 226-246): ESEEEVQPKT[Gln236His]GSRRSSRQIK

ClinVar aggregate classification (germline): Uncertain significance. Review status: criteria provided, multiple submitters, no conflicts (2 of 4 stars). 3 submissions from 3 submitters: Uncertain significance (3). Last evaluated 2025-03-09.

Conditions:
Hereditary nonpolyposis colorectal neoplasms. Identifiers: MedGen C0009405, MeSH D003123.
Hereditary cancer-predisposing syndrome. Also called: Hereditary Cancer Syndrome; Hereditary neoplastic syndrome; Neoplastic Syndromes, Hereditary; Tumor predisposition. Identifiers: Orphanet 140162, MedGen C0027672, MeSH D009386, MONDO:0015356.

Allele frequency attached by ClinVar (database versions not stated): gnomAD 0.00001; TOPMed 0.00001.
gnomAD v4.1: 1 of 1,613,938 alleles (0.000062%); highest among the groups gnomAD compares: African/African-American, 0.0013%; no homozygotes.

Submissions (3):

Labcorp Genetics (formerly Invitae), Labcorp
Classification: Uncertain significance for Hereditary nonpolyposis colorectal neoplasms. Last evaluated: 2025-03-09. Review status: criteria provided, single submitter. Criteria: Invitae Variant Classification Sherloc (09022015). Collection method: clinical testing. Allele origin: germline.
Comment: This sequence change replaces glutamine, which is neutral and polar, with histidine, which is basic and polar, at codon 236 of the MSH6 protein (p.Gln236His). This variant is not present in population databases (gnomAD no frequency). This variant has not been reported in the literature in individuals affected with MSH6-related conditions. ClinVar contains an entry for this variant (Variation ID: 455340). Invitae Evidence Modeling of protein sequence and biophysical properties (such as structural, functional, and spatial information, amino acid conservation, physicochemical variation, residue mobility, and thermodynamic stability) indicates that this missense variant is not expected to disrupt MSH6 protein function with a negative predictive value of 95%. In summary, the available evidence is currently insufficient to determine the role of this variant in disease. Therefore, it has been classified as a Variant of Uncertain Significance.

Ambry Genetics
Classification: Uncertain significance for Hereditary cancer-predisposing syndrome. Last evaluated: 2024-09-02. Review status: criteria provided, single submitter. Criteria: Ambry Variant Classification Scheme 2023. Collection method: clinical testing. Allele origin: germline.
Comment: The p.Q236H variant (also known as c.708A>T), located in coding exon 4 of the MSH6 gene, results from an A to T substitution at nucleotide position 708. The glutamine at codon 236 is replaced by histidine, an amino acid with highly similar properties. This amino acid position is well conserved in available vertebrate species. In addition, this alteration is predicted to be tolerated by in silico analysis. Since supporting evidence is limited at this time, the clinical significance of this alteration remains unclear.

GeneDx
Classification: Uncertain significance. Last evaluated: 2023-03-03. Review status: criteria provided, single submitter. Criteria: GeneDx Variant Classification Process June 2021. Collection method: clinical testing. Allele origin: germline. Affected: yes.
Comment: Not observed at significant frequency in large population cohorts (gnomAD); In silico analysis supports that this missense variant does not alter protein structure/function; Has not been previously published as pathogenic or benign to our knowledge; This variant is associated with the following publications: (PMID: 21437237)